The following is an entry in ClinVar:

NM_001378454.1(ALMS1):c.9957_9958dup (p.Arg3320fs)

Gene: ALMS1 (ALMS1 centrosome and basal body associated protein; plus strand). Cytogenetic location: 2p13.1.
Variant type: Duplication.
Coding change: c.9957_9958dup on transcript NM_001378454.1 (MANE Select); coding-DNA positions 9957 to 9958, 2 bases duplicated (AA; older notation c.9957_9958dupAA).
Protein change: p.Arg3320fs; shifts the reading frame from arginine 3320.
Molecular consequence: frameshift variant.
Genome position (GRCh38, 1-based): chr2:73,550,316-73,550,317, AA duplicated. VCF-style (leftmost placement, unchanged base first): chr2-73550315-C-CAA. GRCh37 (hg19) VCF-style: chr2-73777442-C-CAA.
Other names: c.9960_9961dup, p.Arg3321fs (NM_015120.4); short protein forms R3321fs, R3320fs.
Identifiers: ClinVar variation 2880659 (VCV002880659.4), dbSNP rs1674402990, ClinGen allele CA1261011639.
Genomic context (GRCh38, chr2:73,550,315, plus strand): 5'-GTTTTTCTGTAGGATCCAATGATGCCATTGCTCCAGACTTCCCAGCTCAGGTGCTAGGCA[C>CAA]AAGAGATGATGACCTCTCAGCCACTGTTAACATTAAACATAAAGAAGGAATCTACAGTAA-3'

ClinVar aggregate classification (germline): Pathogenic (1 of 4 stars; one submission).

Conditions:
Alstrom syndrome (ALMS). Identifiers: Orphanet 64, MedGen C0268425, MONDO:0008763, OMIM 203800.

Allele frequency attached by ClinVar (database versions not stated): TOPMed below 0.00001.

Submission:

Labcorp Genetics (formerly Invitae), Labcorp
Classification: Pathogenic for Alstrom syndrome. Last evaluated: 2024-02-07. Review status: criteria provided, single submitter. Criteria: Invitae Variant Classification Sherloc (09022015). Collection method: clinical testing. Allele origin: germline.
Comment: This sequence change creates a premature translational stop signal (p.Arg3321Lysfs*23) in the ALMS1 gene. It is expected to result in an absent or disrupted protein product. Loss-of-function variants in ALMS1 are known to be pathogenic (PMID: 17594715). This variant is not present in population databases (gnomAD no frequency). This variant has not been reported in the literature in individuals affected with ALMS1-related conditions. For these reasons, this variant has been classified as Pathogenic.

Literature cited by the submitters: PubMed 17594715.